The following is an entry in ClinVar:

NC_000017.11:g.(?_35103244)_(35119613_?)del

Gene: RAD51D (RAD51 paralog D; minus strand). Cytogenetic location: 17q12.
Variant type: Deletion.
Identifiers: ClinVar variation 830982 (VCV000830982.2).

ClinVar aggregate classification (germline): Pathogenic (1 of 4 stars; one submission).

Conditions:
Breast-ovarian cancer, familial, susceptibility to, 4. Identifiers: Orphanet 145, MedGen C3280345, MONDO:0013669, OMIM 614291.

Submission:

Labcorp Genetics (formerly Invitae), Labcorp
Classification: Pathogenic for Breast-ovarian cancer, familial, susceptibility to, 4. Last evaluated: 2022-11-01. Review status: criteria provided, single submitter. Criteria: Invitae Variant Classification Sherloc (09022015). Collection method: clinical testing. Allele origin: germline.
Comment: This variant is a gross deletion of the genomic region encompassing exon(s) 1-8 of the RAD51D gene, which includes the initiator codon. This deletion extends beyond the assayed region for this gene and therefore may encompass additional genes. It is expected to result in an absent or disrupted protein product. Loss-of-function variants in RAD51D are known to be pathogenic (PMID: 21822267). This variant has not been reported in the literature in individuals affected with RAD51D-related conditions. For these reasons, this variant has been classified as Pathogenic.

Literature cited by the submitters: PubMed 21822267.